The following is an entry in ClinVar:

NM_000051.4(ATM):c.6179G>T (p.Arg2060Leu)

Genes: ATM (ATM serine/threonine kinase; plus strand), C11orf65 (chromosome 11 open reading frame 65; minus strand). Cytogenetic location: 11q22.3.
Variant type: single nucleotide variant.
Coding change: c.6179G>T on transcript NM_000051.4 (MANE Select); coding-DNA position 6179, G replaced by T.
Protein change: p.Arg2060Leu; replaces arginine 2060 with leucine.
Molecular consequence: missense variant. On other transcripts: intron variant (2).
Genome position (GRCh38, 1-based): chr11:108,316,094, G>T. VCF-style: chr11-108316094-G-T. GRCh37 (hg19) VCF-style: chr11-108186821-G-T.
Other names: c.6179G>T, p.Arg2060Leu (NM_001351834.2); c.641-7023C>A (NM_001330368.2); c.*39-7023C>A (NM_001351110.2); short protein forms R2060L.
Identifiers: ClinVar variation 481221 (VCV000481221.10), dbSNP rs376521407, ClinGen allele CA382550721.

ClinVar aggregate classification (germline): Uncertain significance. Review status: criteria provided, multiple submitters, no conflicts (2 of 4 stars). 2 submissions from 2 submitters: Uncertain significance (2). Last evaluated 2023-05-01.

Conditions:
Hereditary cancer-predisposing syndrome. Also called: Neoplastic Syndromes, Hereditary; Hereditary Cancer Syndrome; Tumor predisposition; Hereditary neoplastic syndrome. Identifiers: Orphanet 140162, MedGen C0027672, MeSH D009386, MONDO:0015356.
Ataxia-telangiectasia syndrome (AT). Also called: LOUIS-BAR SYNDROME; Cerebello-oculocutaneous telangiectasia; Immunodeficiency with ataxia telangiectasia; Ataxia-telangiectasia, complementation group D; AT, COMPLEMENTATION GROUP C; Ataxia-telangiectasia, complementation group E. Identifiers: Orphanet 100, MedGen C0004135, MONDO:0008840, OMIM 208900.

gnomAD v4.1: 2 of 1,613,980 alleles (0.00012%); highest among the groups gnomAD compares: East Asian, 0.0045%; no homozygotes.

Submissions (2):

Labcorp Genetics (formerly Invitae), Labcorp
Classification: Uncertain significance for Ataxia-telangiectasia syndrome. Last evaluated: 2023-05-01. Review status: criteria provided, single submitter. Criteria: Invitae Variant Classification Sherloc (09022015). Collection method: clinical testing. Allele origin: germline.
Comment: In summary, the available evidence is currently insufficient to determine the role of this variant in disease. Therefore, it has been classified as a Variant of Uncertain Significance. An algorithm developed to predict the effect of missense changes on protein structure and function (PolyPhen-2) suggests that this variant is likely to be tolerated. ClinVar contains an entry for this variant (Variation ID: 481221). This variant has not been reported in the literature in individuals affected with ATM-related conditions. This variant is not present in population databases (gnomAD no frequency). This sequence change replaces arginine, which is basic and polar, with leucine, which is neutral and non-polar, at codon 2060 of the ATM protein (p.Arg2060Leu).

Ambry Genetics
Classification: Uncertain significance for Hereditary cancer-predisposing syndrome. Last evaluated: 2016-02-09. Review status: criteria provided, single submitter. Criteria: Ambry Variant Classification Scheme 2023. Collection method: clinical testing. Allele origin: germline.
Comment: The p.R2060L variant (also known as c.6179G>T), located in coding exon 41 of the ATM gene, results from a G to T substitution at nucleotide position 6179. The arginine at codon 2060 is replaced by leucine, an amino acid with dissimilar properties. This variant was not reported in population based cohorts in the following databases: Database of Single Nucleotide Polymorphisms (dbSNP), NHLBI Exome Sequencing Project (ESP), and 1000 Genomes Project. In the ESP, this variant was not observed in 6499 samples (12998 alleles) with coverage at this position. To date, this alteration has been detected with an allele frequency of approximately 0.001% (greater than 125000 alleles tested) in our clinical cohort. This amino acid position is highly conserved in available vertebrate species. In addition, the in silico prediction for this alteration is inconclusive. Since supporting evidence is limited at this time, the clinical significance of this alteration remains unclear.